The following is an entry in ClinVar:

NM_000204.5(CFI):c.413del (p.Met138fs)

Gene: CFI (complement factor I; minus strand). Cytogenetic location: 4q25.
Variant type: Deletion.
Coding change: c.413del on transcript NM_000204.5 (MANE Select); coding-DNA position 413, one base deleted (T; older notation c.413delT).
Protein change: p.Met138fs; shifts the reading frame from methionine 138.
Molecular consequence: frameshift variant. On other transcripts: non-coding transcript variant (3), intron variant (1).
Genome position (GRCh38, 1-based): chr4:109,764,606, A deleted on the plus strand (T on the coding strand, the reverse complement: CFI is on the minus strand). VCF-style (leftmost placement, unchanged base first): chr4-109764605-CA-C. GRCh37 (hg19) VCF-style: chr4-110685761-CA-C.
Other names: c.413del, p.Met138fs (NM_001318057.2, NM_001331035.2, NM_001375278.1 and 5 more transcripts); c.-127-2914del (NM_001375284.1); short protein forms M138fs.
Identifiers: ClinVar variation 3589772 (VCV003589772.2).
Genomic context (GRCh38, chr4:109,764,605, plus strand): 5'-CCCAAGGTCAAGGCAGGCCACGTTGGCTTCCCTCATGCTCCAGCTGCTTTTGCATATGAA[CA>C]TTGTCTTATCTTGGTCCACAAGTTTTACTTCAACTATTCCCTCTGAATCTGTATTTCCAT-3'

ClinVar aggregate classification (germline): Pathogenic/Likely pathogenic. Review status: criteria provided, multiple submitters, no conflicts (2 of 4 stars). 2 submissions from 2 submitters: Pathogenic (1); Likely pathogenic (1). Last evaluated 2025-04-23.

Conditions:
Atypical hemolytic-uremic syndrome with I factor anomaly. Also called: HEMOLYTIC UREMIC SYNDROME, ATYPICAL, SUSCEPTIBILITY TO, 3; AHUS, SUSCEPTIBILITY TO, 3. Identifiers: Orphanet 2134, MedGen C2752039, MONDO:0013041, OMIM 612923.
Factor I deficiency (CFID). Also called: Complement factor I deficiency. Identifiers: Orphanet 200418, MedGen C3463916, MONDO:0012594, OMIM 610984.
Age related macular degeneration 13. Identifiers: MedGen C3809523, MONDO:0014189, OMIM 615439.

Submissions (2):

Labcorp Genetics (formerly Invitae), Labcorp
Classification: Pathogenic. Last evaluated: 2025-04-23. Review status: criteria provided, single submitter. Criteria: Invitae Variant Classification Sherloc (09022015). Collection method: clinical testing. Allele origin: germline.
Comment: This sequence change creates a premature translational stop signal (p.Met138Serfs*10) in the CFI gene. It is expected to result in an absent or disrupted protein product. Loss-of-function variants in CFI are known to be pathogenic (PMID: 15917334, 16621965, 19065647, 20016463, 22710145). This variant is not present in population databases (gnomAD no frequency). This variant has not been reported in the literature in individuals affected with CFI-related conditions. ClinVar contains an entry for this variant (Variation ID: 3589772). For these reasons, this variant has been classified as Pathogenic.

Fulgent Genetics
Classification: Likely pathogenic for Factor I deficiency; Atypical hemolytic-uremic syndrome with I factor anomaly; Age related macular degeneration 13. Last evaluated: 2024-02-07. Review status: criteria provided, single submitter. Criteria: ACMG Guidelines, 2015. Collection method: clinical testing. Allele origin: germline.

Literature cited by the submitters: PubMed 15917334 (cited by Labcorp Genetics (formerly Invitae), Labcorp); PubMed 16621965 (cited by Labcorp Genetics (formerly Invitae), Labcorp); PubMed 19065647 (cited by Labcorp Genetics (formerly Invitae), Labcorp); PubMed 20016463 (cited by Labcorp Genetics (formerly Invitae), Labcorp); PubMed 22710145 (cited by Labcorp Genetics (formerly Invitae), Labcorp).